The following is an entry in ClinVar:

NM_002317.7(LOX):c.1047T>C (p.Pro349=)

Genes: LOX (lysyl oxidase; minus strand), SRFBP1 (serum response factor binding protein 1; plus strand). Cytogenetic location: 5q23.1.
Variant type: single nucleotide variant.
Coding change: c.1047T>C on transcript NM_002317.7 (MANE Select); coding-DNA position 1047, T replaced by C.
Protein change: p.Pro349=; no amino-acid change (proline 349 retained).
Molecular consequence: synonymous variant.
Genome position (GRCh38, 1-based): chr5:122,070,578, A>G on the plus strand (T>C on the coding strand, the complement: LOX is on the minus strand). VCF-style: chr5-122070578-A-G. GRCh37 (hg19) VCF-style: chr5-121406273-A-G.
Other names: c.1047T>C (NM_002317.5); c.357T>C, p.Pro119= (NM_001178102.2); c.156T>C, p.Pro52= (NM_001317073.1).
Identifiers: ClinVar variation 3017979 (VCV003017979.5), dbSNP rs766710805, ClinGen allele CA3383855.

ClinVar aggregate classification (germline): Likely benign. Review status: criteria provided, multiple submitters, no conflicts (2 of 4 stars). 3 submissions from 3 submitters: Likely benign (3). Last evaluated 2026-09-21.

Conditions:
Cardiovascular phenotype. Identifiers: MedGen CN230736.

Allele frequency attached by ClinVar (database versions not stated): gnomAD exomes 0.00001; ExAC 0.00002; gnomAD 0.00001; TOPMed 0.00002.
gnomAD v4.1: 13 of 1,589,874 alleles (0.00082%); highest among the groups gnomAD compares: Middle Eastern, 0.017%; no homozygotes.

Submissions (3):

Molecular Diagnostic Laboratory for Inherited Cardiovascular Disease, Montreal Heart Institute
Classification: Likely benign. Last evaluated: 2026-09-21. Review status: criteria provided, single submitter. Criteria: ACMG Guidelines, 2015. Collection method: clinical testing. Allele origin: germline. Affected: no.
Comment: BP7

Labcorp Genetics (formerly Invitae), Labcorp
Classification: Likely benign. Last evaluated: 2025-12-03. Review status: criteria provided, single submitter. Criteria: Invitae Variant Classification Sherloc (09022015). Collection method: clinical testing. Allele origin: germline.

Ambry Genetics
Classification: Likely benign for Cardiovascular phenotype. Last evaluated: 2025-05-06. Review status: criteria provided, single submitter. Criteria: Ambry Variant Classification Scheme 2023. Collection method: clinical testing. Allele origin: germline.